The following is an entry in ClinVar:

NM_020297.4(ABCC9):c.821A>C (p.Lys274Thr)

Gene: ABCC9 (ATP binding cassette subfamily C member 9; minus strand). Cytogenetic location: 12p12.1.
Variant type: single nucleotide variant.
Coding change: c.821A>C on transcript NM_020297.4 (MANE Select); coding-DNA position 821, A replaced by C.
Protein change: p.Lys274Thr; replaces lysine 274 with threonine.
Molecular consequence: missense variant. On other transcripts: 5 prime UTR variant (1).
Genome position (GRCh38, 1-based): chr12:21,913,062, T>G on the plus strand (A>C on the coding strand, the complement: ABCC9 is on the minus strand). VCF-style: chr12-21913062-T-G. GRCh37 (hg19) VCF-style: chr12-22065996-T-G.
Other names: c.821A>C, p.Lys274Thr (NM_001377273.1, NM_005691.4); c.-44A>C (NM_001377274.1); short protein forms K274T.
Identifiers: ClinVar variation 848709 (VCV000848709.10), dbSNP rs1948394404, ClinGen allele CA384122197.

ClinVar aggregate classification (germline): Uncertain significance (1 of 4 stars; one submission).

Conditions:
Dilated cardiomyopathy 1O (CMD1O). Also called: CARDIOMYOPATHY, DILATED, WITH VENTRICULAR TACHYCARDIA. Identifiers: Orphanet 154, MedGen C1837839, MONDO:0012062, OMIM 608569.

Allele frequency attached by ClinVar (database versions not stated): gnomAD exomes below 0.00001.
gnomAD v4.1: 2 of 1,597,518 alleles (0.00013%); highest among the groups gnomAD compares: Non-Finnish European, 0.00017%; no homozygotes.

Submission:

Labcorp Genetics (formerly Invitae), Labcorp
Classification: Uncertain significance for Dilated cardiomyopathy 1O. Last evaluated: 2024-08-08. Review status: criteria provided, single submitter. Criteria: Invitae Variant Classification Sherloc (09022015). Collection method: clinical testing. Allele origin: germline.
Comment: This sequence change replaces lysine, which is basic and polar, with threonine, which is neutral and polar, at codon 274 of the ABCC9 protein (p.Lys274Thr). This variant is not present in population databases (gnomAD no frequency). This variant has not been reported in the literature in individuals affected with ABCC9-related conditions. ClinVar contains an entry for this variant (Variation ID: 848709). Advanced modeling of protein sequence and biophysical properties (such as structural, functional, and spatial information, amino acid conservation, physicochemical variation, residue mobility, and thermodynamic stability) performed at Invitae indicates that this missense variant is not expected to disrupt ABCC9 protein function with a negative predictive value of 80%. In summary, the available evidence is currently insufficient to determine the role of this variant in disease. Therefore, it has been classified as a Variant of Uncertain Significance.